The following is an entry in ClinVar:

NM_053025.4(MYLK):c.4269G>A (p.Thr1423=)

Gene: MYLK (myosin light chain kinase; minus strand). Cytogenetic location: 3q21.1.
Variant type: single nucleotide variant.
Coding change: c.4269G>A on transcript NM_053025.4 (MANE Select); coding-DNA position 4269, G replaced by A.
Protein change: p.Thr1423=; no amino-acid change (threonine 1423 retained).
Molecular consequence: synonymous variant.
Genome position (GRCh38, 1-based): chr3:123,657,145, C>T on the plus strand (G>A on the coding strand, the complement: MYLK is on the minus strand). VCF-style: chr3-123657145-C-T. GRCh37 (hg19) VCF-style: chr3-123375992-C-T.
Other names: c.3741G>A, p.Thr1247= (NM_001321309.2); c.4062G>A, p.Thr1354= (NM_053026.4, NM_053028.4); c.4269G>A, p.Thr1423= (NM_053027.4).
Identifiers: ClinVar variation 758339 (VCV000758339.17), dbSNP rs574785619, ClinGen allele CA071157.

ClinVar aggregate classification (germline): Likely benign. Review status: criteria provided, multiple submitters, no conflicts (2 of 4 stars). 3 submissions from 3 submitters: Likely benign (3). Last evaluated 2025-12-24.

Conditions:
Aortic aneurysm, familial thoracic 7 (AAT7). Also called: AORTIC DISSECTION, FAMILIAL, WITH OR WITHOUT AORTIC ANEURYSM. Identifiers: MedGen C3151077, MONDO:0013418, OMIM 613780.
Familial thoracic aortic aneurysm and aortic dissection (TAAD). Also called: Thoracic aortic aneurysms and dissections. Identifiers: Orphanet 91387, MedGen C4707243, MONDO:0019625.

Allele frequency attached by ClinVar (database versions not stated): gnomAD 0.00003; TOPMed 0.00003; gnomAD exomes 0.00009; ExAC 0.00011; 1000 Genomes Project 30x 0.00016; 1000 Genomes Project 0.00020.
gnomAD v4.1: 57 of 1,614,148 alleles (0.0035%); highest among the groups gnomAD compares: Admixed American, 0.018%; no homozygotes.

Submissions (3):

Labcorp Genetics (formerly Invitae), Labcorp
Classification: Likely benign for Aortic aneurysm, familial thoracic 7. Last evaluated: 2025-12-24. Review status: criteria provided, single submitter. Criteria: Invitae Variant Classification Sherloc (09022015). Collection method: clinical testing. Allele origin: germline.

CeGaT Center for Human Genetics Tuebingen
Classification: Likely benign. Last evaluated: 2025-12-01. Review status: criteria provided, single submitter. Criteria: CeGaT Center For Human Genetics Tuebingen Variant Classification Criteria Version 2. Collection method: clinical testing. Allele origin: germline. Affected: yes. Observed: 1 variant allele.
Comment: MYLK: BP4, BP7

Ambry Genetics
Classification: Likely benign for Familial thoracic aortic aneurysm and aortic dissection. Last evaluated: 2022-10-30. Review status: criteria provided, single submitter. Criteria: Ambry Variant Classification Scheme 2023. Collection method: clinical testing. Allele origin: germline.